The following is an entry in ClinVar:

ClinVar aggregate classification (germline): Uncertain significance (1 of 4 stars; one submission).

Conditions:
Hereditary cancer-predisposing syndrome. Also called: Tumor predisposition; Hereditary Cancer Syndrome; Hereditary neoplastic syndrome; Neoplastic Syndromes, Hereditary. Identifiers: Orphanet 140162, MedGen C0027672, MeSH D009386, MONDO:0015356.

Submission:

Ambry Genetics
Classification: Uncertain significance for Hereditary cancer-predisposing syndrome. Last evaluated: 2026-02-09. Review status: criteria provided, single submitter. Criteria: Ambry Variant Classification Scheme 2023. Collection method: clinical testing. Allele origin: germline.
Comment: The c.316+3A>T intronic variant results from an A to T substitution 3 nucleotides after coding exon 2 in the BRCA2 gene. This nucleotide position is not well conserved in available vertebrate species. In silico splice site analysis predicts that this alteration will weaken the native splice donor site. Based on the available evidence, the clinical significance of this variant remains unclear.

NM_000059.4(BRCA2):c.316+3A>T

Gene: BRCA2 (BRCA2 DNA repair associated; plus strand). Cytogenetic location: 13q13.1.
Variant type: single nucleotide variant.
Coding change: c.316+3A>T on transcript NM_000059.4 (MANE Select); 3 bases into the intron after coding-DNA position 316, A replaced by T.
Molecular consequence: intron variant.
Genome position (GRCh38, 1-based): chr13:32,319,328, A>T. VCF-style: chr13-32319328-A-T. GRCh37 (hg19) VCF-style: chr13-32893465-A-T.
Identifiers: ClinVar variation 1728299 (VCV001728299.3), dbSNP rs1555280438, ClinGen allele CA2580087079.